The following is an entry in ClinVar:

ClinVar aggregate classification (germline): Likely benign. Review status: criteria provided, multiple submitters, no conflicts (2 of 4 stars). 4 submissions from 4 submitters: Likely benign (4). Last evaluated 2025-11-10.

Conditions:
Bardet-Biedl syndrome 14 (BBS14). Identifiers: Orphanet 110, MedGen C2673874, MONDO:0014442, OMIM 615991.
Leber congenital amaurosis 10 (LCA10). Identifiers: Orphanet 65, MedGen C1857821, MONDO:0012723, OMIM 611755.
Meckel syndrome, type 4 (MKS4). Also called: MECKEL-GRUBER SYNDROME, TYPE 4. Identifiers: Orphanet 564, MedGen C1970161, MONDO:0012626, OMIM 611134.
Joubert syndrome 5 (JBTS5). Identifiers: Orphanet 2318, MedGen C1857780, MONDO:0012432, OMIM 610188.
Senior-Loken syndrome 6 (SLSN6). Identifiers: Orphanet 3156, MedGen C1857779, MONDO:0012433, OMIM 610189.
CEP290-related disorder. Also called: CEP290-related condition; CEP290-related disorders. Identifiers: MedGen CN239314.
Nephronophthisis. Also called: Juvenile Nephronophthisis. Identifiers: Orphanet 655, MedGen C0687120, MONDO:0019005, HP:0000090.
Meckel-Gruber syndrome. Also called: DYSENCEPHALIA SPLANCHNOCYSTICA; GRUBER SYNDROME; Dysencephalia splachnocystica. Identifiers: Orphanet 564, MedGen C0265215, MONDO:0018921.
Joubert syndrome. Also called: JOUBERT-BOLTSHAUSER SYNDROME; Familial aplasia of the vermis. Identifiers: Orphanet 475, MedGen C5979921, MONDO:0018772.

Allele frequency attached by ClinVar (database versions not stated): gnomAD exomes below 0.00001.
gnomAD v4.1: 4 of 1,604,940 alleles (0.00025%); highest among the groups gnomAD compares: African/African-American, 0.004%; no homozygotes.

Submissions (4):

PreventionGenetics, part of Exact Sciences
Classification: Likely benign for CEP290-related condition. Last evaluated: 2025-11-10. Review status: criteria provided, single submitter. Criteria: ACMG Guidelines, 2015. Collection method: clinical testing. Allele origin: germline.
Comment: This variant is classified as likely benign based on ACMG/AMP sequence variant interpretation guidelines (Richards et al. 2015 PMID: 25741868, with internal and published modifications).

Labcorp Genetics (formerly Invitae), Labcorp
Classification: Likely benign for Joubert syndrome; Meckel-Gruber syndrome; Nephronophthisis. Last evaluated: 2025-09-28. Review status: criteria provided, single submitter. Criteria: Invitae Variant Classification Sherloc (09022015). Collection method: clinical testing. Allele origin: germline.

Blueprint Genetics
Classification: Likely benign. Last evaluated: 2024-04-05. Review status: criteria provided, single submitter. Criteria: ACMG Guidelines, 2015. Collection method: clinical testing. Allele origin: germline.

Fulgent Genetics
Classification: Likely benign for Joubert syndrome 5; Senior-Loken syndrome 6; Meckel syndrome, type 4; Leber congenital amaurosis 10; Bardet-Biedl syndrome 14. Last evaluated: 2021-09-28. Review status: criteria provided, single submitter. Criteria: ACMG Guidelines, 2015. Collection method: clinical testing. Allele origin: unknown.

NM_025114.4(CEP290):c.99C>T (p.Ser33=)

Gene: CEP290 (centrosomal protein 290; minus strand). Cytogenetic location: 12q21.32.
Variant type: single nucleotide variant.
Coding change: c.99C>T on transcript NM_025114.4 (MANE Select); coding-DNA position 99, C replaced by T.
Protein change: p.Ser33=; no amino-acid change (serine 33 retained).
Molecular consequence: synonymous variant.
Genome position (GRCh38, 1-based): chr12:88,141,209, G>A on the plus strand (C>T on the coding strand, the complement: CEP290 is on the minus strand). VCF-style: chr12-88141209-G-A. GRCh37 (hg19) VCF-style: chr12-88534986-G-A.
Identifiers: ClinVar variation 748774 (VCV000748774.13), dbSNP rs866917306, ClinGen allele CA241168812.